The following is an entry in ClinVar:

ClinVar aggregate classification (germline): Likely pathogenic. Review status: criteria provided, multiple submitters, no conflicts (2 of 4 stars). 2 submissions from 2 submitters: Likely pathogenic (2). Last evaluated 2025-03-21.

Conditions:
NR5A1-related disorder. Also called: NR5A1-related condition.

Submissions (2):

Genetic Services Laboratory, University of Chicago
Classification: Likely pathogenic. Last evaluated: 2025-03-21. Review status: criteria provided, single submitter. Criteria: ACMG Guidelines, 2015. Collection method: clinical testing. Allele origin: germline.
Comment: The c.940C>T variant: Results in the creation of a premature stop codon at amino acid position 314, .p.Gln314*. Predicted to result in an abnormal transcript, which may be degraded, or may lead to the production of a truncated NR5A1 protein with potentially abnormal function. Has not been previously described in individuals with NR5A1-related disorders; however other loss-of-function variants in NR5A1 have been reported in individuals with NR5A1-related disorders (PMID: 10369247, 11038323, 12907682, 19246354, 20887963). Has not been described in population databases such as gnomAD v4. ClinVar contains an entry for this variant (Variation ID: 2633654). Collectively this evidence indicates that this variant is pathogenic; however functional studies have not been performed to prove this conclusively.

PreventionGenetics, part of Exact Sciences
Classification: Likely pathogenic for NR5A1-related condition. Last evaluated: 2023-03-15. Review status: criteria provided, single submitter. Criteria: ACMG Guidelines, 2015. Collection method: clinical testing. Allele origin: germline.
Comment: The NR5A1 c.940C>T variant is predicted to result in premature protein termination (p.Gln314*). To our knowledge, this variant has not been reported in the literature or in a large population database, indicating this variant is rare. Nonsense variants in NR5A1 are expected to be pathogenic. This variant is interpreted as likely pathogenic.

NM_004959.5(NR5A1):c.940C>T (p.Gln314Ter)

Gene: NR5A1 (nuclear receptor subfamily 5 group A member 1; minus strand). Cytogenetic location: 9q33.3.
Variant type: single nucleotide variant.
Coding change: c.940C>T on transcript NM_004959.5 (MANE Select); coding-DNA position 940, C replaced by T.
Protein change: p.Gln314Ter; replaces glutamine 314 with a stop codon.
Molecular consequence: nonsense.
Genome position (GRCh38, 1-based): chr9:124,493,080, G>A on the plus strand (C>T on the coding strand, the complement: NR5A1 is on the minus strand). VCF-style: chr9-124493080-G-A. GRCh37 (hg19) VCF-style: chr9-127255359-G-A.
Other names: short protein forms Q314*.
Identifiers: ClinVar variation 2633654 (VCV002633654.2), dbSNP rs2538676331, ClinGen allele CA374882268.
Genomic context (GRCh38, chr9:124,493,080, plus strand): 5'-GACTGGTCACCTCCTGCCCGGTGACCAGCAGGATGCTGCCCTCCTTGCCGTGCTGGACCT[G>A]GCGGTAGATGTGGTCGAACACCAGCAGCTCGCTCCAGCAGTTCTGCAGCAGCGTCATCTG-3'